The following is an entry in ClinVar:

ClinVar aggregate classification (germline): Uncertain significance (1 of 4 stars; one submission).

Submission:

Labcorp Genetics (formerly Invitae), Labcorp
Classification: Uncertain significance. Last evaluated: 2024-04-30. Review status: criteria provided, single submitter. Criteria: Invitae Variant Classification Sherloc (09022015). Collection method: clinical testing. Allele origin: germline.
Comment: This sequence change replaces glycine, which is neutral and non-polar, with arginine, which is basic and polar, at codon 404 of the TWNK protein (p.Gly404Arg). This variant is not present in population databases (gnomAD no frequency). This variant has not been reported in the literature in individuals affected with TWNK-related conditions. Advanced modeling of protein sequence and biophysical properties (such as structural, functional, and spatial information, amino acid conservation, physicochemical variation, residue mobility, and thermodynamic stability) performed at Invitae indicates that this missense variant is expected to disrupt TWNK protein function with a positive predictive value of 80%. In summary, the available evidence is currently insufficient to determine the role of this variant in disease. Therefore, it has been classified as a Variant of Uncertain Significance.

NM_021830.5(TWNK):c.1210G>A (p.Gly404Arg)

Gene: TWNK (twinkle mtDNA helicase; plus strand). Cytogenetic location: 10q24.31.
Variant type: single nucleotide variant.
Coding change: c.1210G>A on transcript NM_021830.5 (MANE Select); coding-DNA position 1210, G replaced by A.
Protein change: p.Gly404Arg; replaces glycine 404 with arginine.
Molecular consequence: missense variant. On other transcripts: non-coding transcript variant (4), intron variant (3).
Genome position (GRCh38, 1-based): chr10:100,989,420, G>A. VCF-style: chr10-100989420-G-A. GRCh37 (hg19) VCF-style: chr10-102749177-G-A.
Other names: c.1210G>A, p.Gly404Arg (NM_001163812.2); c.-119-224G>A (NM_001163814.2, NM_001163813.2); c.-57-286G>A (NM_001368275.1); short protein forms G404R.
Identifiers: ClinVar variation 3683167 (VCV003683167.2).